The following is an entry in ClinVar:

NM_025257.3(SLC44A4):c.689A>T (p.Tyr230Phe)

Gene: SLC44A4 (solute carrier family 44 member 4; minus strand). Cytogenetic location: 6p21.33.
Variant type: single nucleotide variant.
Coding change: c.689A>T on transcript NM_025257.3 (MANE Select); coding-DNA position 689, A replaced by T.
Protein change: p.Tyr230Phe; replaces tyrosine 230 with phenylalanine.
Molecular consequence: missense variant.
Genome position (GRCh38, 1-based): chr6:31,871,326, T>A on the plus strand (A>T on the coding strand, the complement: SLC44A4 is on the minus strand). VCF-style: chr6-31871326-T-A. GRCh37 (hg19) VCF-style: chr6-31839103-T-A.
Other names: c.563A>T, p.Tyr188Phe (NM_001178044.2); c.461A>T, p.Tyr154Phe (NM_001178045.2); short protein forms Y154F, Y188F, Y230F.
Identifiers: ClinVar variation 3444545 (VCV003444545.2).
Genomic context (GRCh38, chr6:31,871,326, plus strand): 5'-GGGAGGAAGAAGGCAAGGACACAAGAGGAGGGGAATCTGGTGACTCACACAAGAATCCAA[T>A]ACCAGGACTGGGCAAAATCTTCAAAGATCTTAACACTGATGTCTCGGGCATTGAGGCTGT-3'
Protein context (NP_079533.2, residues 220-240): KIFEDFAQSW[Tyr230Phe]WILVALGVAL

ClinVar aggregate classification (germline): Conflicting classifications of pathogenicity. Review status: criteria provided, conflicting classifications (1 of 4 stars). 2 submissions from 2 submitters: Uncertain significance (1); Likely benign (1). Last evaluated 2025-12-26.

Conditions:
SLC44A4-related disorder. Also called: SLC44A4-related condition.

gnomAD v4.1: 92 of 1,613,884 alleles (0.0057%); highest among the groups gnomAD compares: African/African-American, 0.11%; no homozygotes.

Submissions (2):

PreventionGenetics, part of Exact Sciences
Classification: Likely benign for SLC44A4-related condition. Last evaluated: 2025-12-26. Review status: criteria provided, single submitter. Criteria: ACMG Guidelines, 2015. Collection method: clinical testing. Allele origin: germline.
Comment: This variant is classified as likely benign based on ACMG/AMP sequence variant interpretation guidelines (Richards et al. 2015 PMID: 25741868, with internal and published modifications).

Ambry Genetics
Classification: Uncertain significance. Last evaluated: 2024-11-21. Review status: criteria provided, single submitter. Criteria: Ambry Variant Classification Scheme 2023. Collection method: clinical testing. Allele origin: germline.